The following is an entry in ClinVar:

NM_001378477.3(NYX):c.197G>C (p.Arg66Pro)

Gene: NYX (nyctalopin; plus strand). Cytogenetic location: Xp11.4.
Variant type: single nucleotide variant.
Coding change: c.197G>C on transcript NM_001378477.3 (MANE Select); coding-DNA position 197, G replaced by C.
Protein change: p.Arg66Pro; replaces arginine 66 with proline.
Molecular consequence: missense variant.
Genome position (GRCh38, 1-based): chrX:41,473,665, G>C. VCF-style: chrX-41473665-G-C. GRCh37 (hg19) VCF-style: chrX-41332918-G-C.
Other names: c.197G>C, p.Arg66Pro (NM_022567.3); short protein forms R66P.
Identifiers: ClinVar variation 4978960 (VCV004978960.1).
Genomic context (GRCh38, chrX:41,473,665, plus strand): 5'-CGGGCCTCCTGCGGGTGCCGGCCGAGCTCCCGTGCGAGGCGGTCTCCATCGACCTGGACC[G>C]GAACGGCCTGCGCTTCCTGGGCGAGCGAGCCTTCGGCACGCTGCCGTCCTTGCGCCGCCT-3'
Protein context (NP_001365406.2, residues 56-76): PCEAVSIDLD[Arg66Pro]NGLRFLGERA

ClinVar aggregate classification (germline): Likely pathogenic (1 of 4 stars; one submission).

Conditions:
NYX-related disorder. Also called: NYX-related condition.

gnomAD v4.1: 1 of 1,112,142 alleles (0.00009%); highest among the groups gnomAD compares: Non-Finnish European, 0.00012%; no homozygotes.

Submission:

PreventionGenetics, part of Exact Sciences
Classification: Likely pathogenic for NYX-related condition. Last evaluated: 2026-04-28. Review status: criteria provided, single submitter. Criteria: ACMG Guidelines, 2015. Collection method: clinical testing. Allele origin: germline.
Comment: The NYX c.212G>C variant is predicted to result in the amino acid substitution p.Arg71Pro. This variant has been reported in the hemizygous state in an individual with congenital stationary night blindness (Table S5, Taylor et al. 2017. PubMed ID: 28341476). At PreventionGenetics, this variant was detected in two hemizygous siblings and their obligate carrier mother, in a kindred being tested for early-onset high myopia (internal data). This variant is absent in a large population database (gnomAD), indicating this variant is rare. Given the evidence, we interpret this variant as likely pathogenic.